The following is an entry in ClinVar:

ClinVar aggregate classification (germline): Uncertain significance. Review status: criteria provided, multiple submitters, no conflicts (2 of 4 stars). 2 submissions from 2 submitters: Uncertain significance (2). Last evaluated 2025-08-17.

Conditions:
Cardiovascular phenotype. Identifiers: MedGen CN230736.

gnomAD v4.1: 2 of 1,614,144 alleles (0.00012%); highest among the groups gnomAD compares: African/African-American, 0.0027%; no homozygotes.

Submissions (2):

Labcorp Genetics (formerly Invitae), Labcorp
Classification: Uncertain significance. Last evaluated: 2025-08-17. Review status: criteria provided, single submitter. Criteria: Invitae Variant Classification Sherloc (09022015). Collection method: clinical testing. Allele origin: germline.
Comment: This sequence change replaces glutamine, which is neutral and polar, with histidine, which is basic and polar, at codon 461 of the ALPK3 protein (p.Gln461His). This variant is present in population databases (no rsID available, gnomAD 0.007%). This variant has not been reported in the literature in individuals affected with ALPK3-related conditions. ClinVar contains an entry for this variant (Variation ID: 4044843). Invitae Evidence Modeling of protein sequence and biophysical properties (such as structural, functional, and spatial information, amino acid conservation, physicochemical variation, residue mobility, and thermodynamic stability) indicates that this missense variant is expected to disrupt ALPK3 protein function with a positive predictive value of 80%. In summary, the available evidence is currently insufficient to determine the role of this variant in disease. Therefore, it has been classified as a Variant of Uncertain Significance.

Ambry Genetics
Classification: Uncertain significance for Cardiovascular phenotype. Last evaluated: 2025-05-18. Review status: criteria provided, single submitter. Criteria: Ambry Variant Classification Scheme 2023. Collection method: clinical testing. Allele origin: germline.
Comment: The p.Q461H variant (also known as c.1383G>T), located in coding exon 5 of the ALPK3 gene, results from a G to T substitution at nucleotide position 1383. The glutamine at codon 461 is replaced by histidine, an amino acid with highly similar properties. This amino acid position is conserved. In addition, this alteration is predicted to be tolerated by in silico analysis. Based on the available evidence, the clinical significance of this variant remains unclear.

NM_020778.5(ALPK3):c.777G>T (p.Gln259His)

Gene: ALPK3 (alpha kinase 3; plus strand). Cytogenetic location: 15q25.3.
Variant type: single nucleotide variant.
Coding change: c.777G>T on transcript NM_020778.5 (MANE Select); coding-DNA position 777, G replaced by T.
Protein change: p.Gln259His; replaces glutamine 259 with histidine.
Molecular consequence: missense variant.
Genome position (GRCh38, 1-based): chr15:84,840,056, G>T. VCF-style: chr15-84840056-G-T. GRCh37 (hg19) VCF-style: chr15-85383287-G-T.
Other names: short protein forms Q259H.
Identifiers: ClinVar variation 4044843 (VCV004044843.2).
Genomic context (GRCh38, chr15:84,840,056, plus strand): 5'-CAGGGAGCCTGAGGGTGGGACCCTGGCGGCTTGGCAGGAGGGAGAGACTGAGACTGCTCA[G>T]CACTCAGGTTTGGGCCTGATCAACAGTTTTGCTTCTGGAGAAGTGACCACCAACGGGGAG-3'
Protein context (NP_065829.4, residues 249-269): AWQEGETETA[Gln259His]HSGLGLINSF